The following is an entry in ClinVar:

ClinVar aggregate classification (germline): Uncertain significance (1 of 4 stars; one submission).

Allele frequency attached by ClinVar (database versions not stated): gnomAD exomes 0.00001.
gnomAD v4.1: 11 of 1,614,118 alleles (0.00068%); highest among the groups gnomAD compares: African/African-American, 0.0013%; no homozygotes.

Submission:

Labcorp Genetics (formerly Invitae), Labcorp
Classification: Uncertain significance. Last evaluated: 2023-08-08. Review status: criteria provided, single submitter. Criteria: Invitae Variant Classification Sherloc (09022015). Collection method: clinical testing. Allele origin: germline.
Comment: An algorithm developed to predict the effect of missense changes on protein structure and function (PolyPhen-2) suggests that this variant is likely to be disruptive. In summary, the available evidence is currently insufficient to determine the role of this variant in disease. Therefore, it has been classified as a Variant of Uncertain Significance. This variant has not been reported in the literature in individuals affected with ADAMTS17-related conditions. This variant is not present in population databases (gnomAD no frequency). This sequence change replaces threonine, which is neutral and polar, with isoleucine, which is neutral and non-polar, at codon 656 of the ADAMTS17 protein (p.Thr656Ile).

NM_139057.4(ADAMTS17):c.1967C>T (p.Thr656Ile)

Gene: ADAMTS17 (ADAM metallopeptidase with thrombospondin type 1 motif 17; minus strand). Cytogenetic location: 15q26.3.
Variant type: single nucleotide variant.
Coding change: c.1967C>T on transcript NM_139057.4 (MANE Select); coding-DNA position 1967, C replaced by T.
Protein change: p.Thr656Ile; replaces threonine 656 with isoleucine.
Molecular consequence: missense variant.
Genome position (GRCh38, 1-based): chr15:100,109,038, G>A on the plus strand (C>T on the coding strand, the complement: ADAMTS17 is on the minus strand). VCF-style: chr15-100109038-G-A. GRCh37 (hg19) VCF-style: chr15-100649243-G-A.
Other names: short protein forms T656I.
Identifiers: ClinVar variation 2776522 (VCV002776522.3), dbSNP rs2548325333, ClinGen allele CA393694802.